The following is an entry in ClinVar:

NM_007294.4(BRCA1):c.2351C>T (p.Ser784Leu)

Gene: BRCA1 (BRCA1 DNA repair associated; minus strand). Cytogenetic location: 17q21.31.
Variant type: single nucleotide variant.
Coding change: c.2351C>T on transcript NM_007294.4 (MANE Select); coding-DNA position 2351, C replaced by T.
Protein change: p.Ser784Leu; replaces serine 784 with leucine.
Molecular consequence: missense variant. On other transcripts: intron variant (137).
Genome position (GRCh38, 1-based): chr17:43,093,180, G>A on the plus strand (C>T on the coding strand, the complement: BRCA1 is on the minus strand). VCF-style: chr17-43093180-G-A. GRCh37 (hg19) VCF-style: chr17-41245197-G-A.
Other names: p.S784L:TCG>TTG; c.2228C>T, p.Ser743Leu (NM_001407678.1, NM_001407679.1, NM_001407680.1 and 19 more transcripts); c.2351C>T, p.Ser784Leu (NM_001407684.1, NM_001407854.1, NM_001407858.1 and 30 more transcripts); c.2225C>T, p.Ser742Leu (NM_001407685.1, NM_001407686.1, NM_001407687.1 and 11 more transcripts); c.2210C>T, p.Ser737Leu (NM_001407692.1, NM_001407694.1, NM_001407695.1 and 29 more transcripts); c.2207C>T, p.Ser736Leu (NM_001407740.1, NM_001407741.1, NM_001407742.1 and 20 more transcripts); c.2138C>T, p.Ser713Leu (NM_001407853.1, NM_001407894.1, NM_001407895.1 and 9 more transcripts); c.2348C>T, p.Ser783Leu (NM_001407860.1, NM_001407861.1, NM_001407587.1 and 22 more transcripts); and 42 more; short protein forms S784L, S737L, S656L, S673L, S695L, S713L, S714L, S736L.
Identifiers: ClinVar variation 37464 (VCV000037464.41), dbSNP rs55914168, ClinGen allele CA001569.

ClinVar aggregate classification (germline): Benign. Review status: reviewed by expert panel (3 of 4 stars). 14 submissions from 14 submitters: Benign (1). 13 of the submissions do not count toward it. Last evaluated 2019-06-18.

Conditions:
BRCA1-related disorder. Also called: BRCA1-related condition.
Hereditary cancer-predisposing syndrome. Also called: Tumor predisposition; Neoplastic Syndromes, Hereditary; Hereditary Cancer Syndrome; Hereditary neoplastic syndrome. Identifiers: Orphanet 140162, MedGen C0027672, MeSH D009386, MONDO:0015356.
Hereditary breast ovarian cancer syndrome. Also called: Hereditary breast and ovarian cancer syndrome (HBOC); Hereditary breast and ovarian cancer syndrome; Hereditary breast and ovarian cancer; Hereditary breast and/or ovarian cancer syndrome; Breast and ovarian cancer; BRCA1- and BRCA2-Associated Hereditary Breast and Ovarian Cancer. Identifiers: Orphanet 145, MedGen C0677776, MeSH D061325, MONDO:0003582. Disease mechanism: loss of function.
Breast-ovarian cancer, familial, susceptibility to, 1 (BROVCA1). Also called: OVARIAN CANCER, SUSCEPTIBILITY TO; BRCA1 Hereditary Breast and Ovarian Cancer. Identifiers: Orphanet 145, MedGen C2676676, MONDO:0011450, OMIM 604370. Disease mechanism: loss of function.
Malignant tumor of breast. Also called: Malignant breast neoplasm; Cancer breast. Identifiers: MedGen C0006142, MONDO:0007254. Disease mechanism: loss of function.

Allele frequency attached by ClinVar (database versions not stated): gnomAD 0.00004 and 0.00005; gnomAD exomes 0.00005 and 0.00018; TOPMed 0.00009; 1000 Genomes Project 30x 0.00016; ExAC 0.00016; 1000 Genomes Project 0.00020.
gnomAD v4.1: 79 of 1,613,816 alleles (0.0049%); highest among the groups gnomAD compares: Admixed American, 0.092%; no homozygotes.

Submissions (14):

Evidence-based Network for the Interpretation of Germline Mutant Alleles (ENIGMA)
Classification: Benign for Breast-ovarian cancer, familial, susceptibility to, 1. Last evaluated: 2019-06-18. Review status: reviewed by expert panel. Criteria: ENIGMA BRCA1/2 Classification Criteria (2017-06-29). Collection method: curation. Allele origin: germline.
Comment: IARC class based on posterior probability from multifactorial likelihood analysis, thresholds for class as per Plon et al. 2008 (PMID: 18951446). Class 1 based on posterior probability = 0.000071

Labcorp Genetics (formerly Invitae), Labcorp
Classification: Likely benign for Hereditary breast ovarian cancer syndrome. Last evaluated: 2026-01-09. Review status: criteria provided, single submitter. Criteria: Invitae Variant Classification Sherloc (09022015). Collection method: clinical testing. Allele origin: germline. Not counted in ClinVar's aggregate classification.

Center for Genomic Medicine, Rigshospitalet, Copenhagen University Hospital
Classification: Benign. Last evaluated: 2025-03-04. Review status: criteria provided, single submitter. Criteria: ACMG Guidelines, 2015. Collection method: clinical testing. Allele origin: germline. Not counted in ClinVar's aggregate classification.

Quest Diagnostics Nichols Institute San Juan Capistrano
Classification: Benign. Last evaluated: 2023-07-20. Review status: criteria provided, single submitter. Criteria: Quest Diagnostics criteria. Collection method: clinical testing. Allele origin: unknown. Not counted in ClinVar's aggregate classification.

Sema4
Classification: Likely benign for Hereditary cancer-predisposing syndrome. Last evaluated: 2021-04-29. Review status: criteria provided, single submitter. Criteria: Sema4 Curation Guidelines. Collection method: curation. Allele origin: germline. Not counted in ClinVar's aggregate classification.

Women's Health and Genetics/Laboratory Corporation of America, LabCorp
Classification: Benign. Last evaluated: 2020-08-25. Review status: criteria provided, single submitter. Criteria: LabCorp Variant Classification Summary - May 2015. Collection method: clinical testing. Allele origin: germline. Not counted in ClinVar's aggregate classification.
Comment: Variant summary: BRCA1 c.2351C>T (p.Ser784Leu) results in a non-conservative amino acid change in the encoded protein sequence. Four of five in-silico tools predict a damaging effect of the variant on protein function. These in silico predictions have not been verified with functional studies, with one study classifying the variant as benign, based on a homozygous occurrence in a patient derived LCL sample, and therefore using it as a control in the study (Loke_2015). The variant allele was found at a frequency of 0.00018 in 250640 control chromosomes, predominantly at a frequency of 0.0012 within the Latino subpopulation in the gnomAD database. The observed variant frequency within Latino control individuals in the gnomAD database is approximately 1.2 fold of the estimated maximal expected allele frequency for a pathogenic variant in BRCA1 causing Hereditary Breast and Ovarian Cancer Syndrome (HBOC) phenotype (0.001), strongly suggesting that the variant is a benign polymorphism found primarily in populations of Latino origin. The variant, c.2351C>T, has been reported in the literature in individuals affected with tumors that belong to the HBOC spectrum, but without strong evidence for causality (e.g. Judkins_2005, McKean-Cowdin_2005, van der Hout_2006, Li_2018, Shao_2019, Abe_2019), moreover, in some of these studies, it was also found in healthy controls (McKean-Cowdin_2005, Li_2018). Co-occurrences with other pathogenic variants have been reported (BRCA1 c.942_956delinsCTTACTTC (p.Arg1315fsX24) and RB1 c.1411C>T (p.Gln471X), in two internal LCA samples), providing supporting evidence for a benign role. In addition, a recent multifactorial likelihood analysis predicted this variant to be Benign (Parsons_2019). Eight other submitters, including an expert panel (ENIGMA), have provided clinical-significance assessments for this variant in ClinVar after 2014, and classified the variant as VUS (3x), likely benign (3x), or benign (2x; including the expert panel). Based on the evidence outlined above, the variant was classified as benign.

GeneDx
Classification: Likely benign. Last evaluated: 2020-05-18. Review status: criteria provided, single submitter. Criteria: GeneDx Variant Classification Process June 2021. Collection method: clinical testing. Allele origin: germline. Affected: yes. Not counted in ClinVar's aggregate classification.
Comment: This variant is associated with the following publications: (PMID: 16683254, 16267036, 16518693, 12531920, 15726418, 15001988, 25782689, 25652403, 25348012, 15385441)

Ambry Genetics
Classification: Likely benign for Hereditary cancer-predisposing syndrome. Last evaluated: 2019-04-15. Review status: criteria provided, single submitter. Criteria: Ambry Variant Classification Scheme 2023. Collection method: clinical testing. Allele origin: germline. Not counted in ClinVar's aggregate classification.

Color Diagnostics, LLC DBA Color Health
Classification: Likely benign for Hereditary cancer-predisposing syndrome. Last evaluated: 2016-02-22. Review status: criteria provided, single submitter. Criteria: ACMG Guidelines, 2015. Collection method: clinical testing. Allele origin: germline. Not counted in ClinVar's aggregate classification.

PreventionGenetics, part of Exact Sciences
Classification: Likely benign for BRCA1-related condition. Last evaluated: 2024-06-26. Review status: no assertion criteria provided. Collection method: clinical testing. Allele origin: germline. Not counted in ClinVar's aggregate classification.
Comment: This variant is classified as likely benign based on ACMG/AMP sequence variant interpretation guidelines (Richards et al. 2015 PMID: 25741868, with internal and published modifications).

Counsyl
Classification: Uncertain significance for Breast-ovarian cancer, familial, susceptibility to, 1. Last evaluated: 2015-12-18. Review status: no assertion criteria provided. Collection method: clinical testing. Allele origin: unknown. Not counted in ClinVar's aggregate classification.

Sharing Clinical Reports Project (SCRP)
Classification: Likely benign for Breast-ovarian cancer, familial 1. Last evaluated: 2009-08-28. Review status: no assertion criteria provided. Collection method: clinical testing. Allele origin: germline. Not counted in ClinVar's aggregate classification.

Breast Cancer Information Core (BIC) (BRCA1)
Classification: Uncertain significance for Breast-ovarian cancer, familial 1. Last evaluated: 2002-05-29. Review status: no assertion criteria provided. Collection method: clinical testing. Allele origin: germline. Affected: yes. Observed: 3 variant alleles. Not counted in ClinVar's aggregate classification.

Department of Pathology and Laboratory Medicine, Sinai Health System
Classification: Uncertain significance for Malignant tumor of breast. Review status: no assertion criteria provided. Collection method: clinical testing. Allele origin: unknown. Affected: yes. Study: The Canadian Open Genetics Repository (COGR). Not counted in ClinVar's aggregate classification.
Comment: The BRCA1 p.Ser784Leu variant was identified in 3 of 4154 proband chromosomes (frequency: 0.0007) from individuals or families with hereditary breast and ovarian cancer and was present in 18 of 11,404 control chromosomes (frequency: 0.001) from healthy individuals (McKean-Cowdin 2005,van der Hout 2006, Li 2018, Fernandez-Lopez 2019). The variant was identified in dbSNP (rs55914168) as â€šÃ„Ãºwith likely pathogenic, other alleleâ€šÃ„Ã¹, ClinVar (classified as likely benign by Ambry Genetics, Invitae, Color and 2 other submitters and uncertain significance by GeneDx, Counsyl and 3 other submitters), LOVD 3.0 (observed 15x), UMD-LSDB (observed 2x). The variant was identified in control databases in 45 of 282,304 chromosomes at a frequency of 0.0002 (Genome Aggregation Database Feb 27, 2017). The variant was observed in the following populations: Latino in 43 of 33,396 chromosomes (freq: 0.001, increasing the likelihood this could be a low frequency benign variant), African in 1 of 24,966 chromosomes (freq: 0.00004), European in 1 of 128,600 chromosomes (freq: 0.000008); it was not observed in the Other, Ashkenazi Jewish, East Asian, Finnish, or South Asian populations. The p.Ser784 residue is conserved in mammals and computational analyses (PolyPhen-2, SIFT, AlignGVGD, BLOSUM, MutationTaster) provide inconsistent predictions regarding the impact to the protein; this information is not very predictive of pathogenicity. The variant occurs outside of the splicing consensus sequence and 1 of 4 in silico or computational prediction software programs (SpliceSiteFinder, MaxEntScan, NNSPLICE, GeneSplicer) predict a greater than 10% difference in splicing; this is not very predictive of pathogenicity. In summary, based on the above information, the clinical significance of this variant cannot be determined with certainty at this time. This variant is classified as a variant of uncertain significance.

Literature cited by the submitters: PubMed 31131967 (cited by Evidence-based Network for the Interpretation of Germline Mutant Alleles (ENIGMA) and Women's Health and Genetics/Laboratory Corporation of America, LabCorp); PubMed 31742824 (cited by Quest Diagnostics Nichols Institute San Juan Capistrano and Women's Health and Genetics/Laboratory Corporation of America, LabCorp); PubMed 30078507 (cited by Quest Diagnostics Nichols Institute San Juan Capistrano and Women's Health and Genetics/Laboratory Corporation of America, LabCorp); PubMed 30883245 (cited by Quest Diagnostics Nichols Institute San Juan Capistrano and Women's Health and Genetics/Laboratory Corporation of America, LabCorp); PubMed 25652403 (cited by 3 submitters); PubMed 16683254 (cited by 4 submitters); PubMed 16267036 (cited by 3 submitters); PubMed 16518693 (cited by 3 submitters); PubMed 15726418 (cited by 3 submitters); PubMed 12531920 (cited by 4 submitters); PubMed 15385441 (cited by Women's Health and Genetics/Laboratory Corporation of America, LabCorp and Counsyl); PubMed 25782689 (cited by Women's Health and Genetics/Laboratory Corporation of America, LabCorp and Ambry Genetics); PubMed 31112341 (cited by Women's Health and Genetics/Laboratory Corporation of America, LabCorp); PubMed 31294896 (cited by Women's Health and Genetics/Laboratory Corporation of America, LabCorp); PubMed 25348012 (cited by Counsyl).